The following is an entry in ClinVar:

ClinVar aggregate classification (germline): Benign/Likely benign. Review status: criteria provided, multiple submitters, no conflicts (2 of 4 stars). 7 submissions from 7 submitters: Benign (2); Likely benign (5). Last evaluated 2025-08-21.

Conditions:
Hereditary cancer-predisposing syndrome. Also called: Neoplastic Syndromes, Hereditary; Hereditary neoplastic syndrome; Tumor predisposition; Hereditary Cancer Syndrome. Identifiers: Orphanet 140162, MedGen C0027672, MeSH D009386, MONDO:0015356.
Tuberous sclerosis syndrome (TSC). Also called: Tuberous Sclerosis Complex; Tuberous sclerosis. Identifiers: Orphanet 805, MedGen C0041341, MONDO:0001734.
Tuberous sclerosis 2 (TSC2). Identifiers: Orphanet 805, MedGen C1860707, MONDO:0013199, OMIM 613254.

Allele frequency attached by ClinVar (database versions not stated): TOPMed below 0.00001; ExAC 0.00001; gnomAD exomes 0.00001.

Submissions (7):

Labcorp Genetics (formerly Invitae), Labcorp
Classification: Likely benign for Tuberous sclerosis 2. Last evaluated: 2025-08-21. Review status: criteria provided, single submitter. Criteria: Invitae Variant Classification Sherloc (09022015). Collection method: clinical testing. Allele origin: germline.

Color Diagnostics, LLC DBA Color Health
Classification: Likely benign for Tuberous sclerosis syndrome. Last evaluated: 2025-08-14. Review status: criteria provided, single submitter. Criteria: ACMG Guidelines, 2015. Collection method: clinical testing. Allele origin: germline.

CeGaT Center for Human Genetics Tuebingen
Classification: Likely benign. Last evaluated: 2025-07-01. Review status: criteria provided, single submitter. Criteria: CeGaT Center For Human Genetics Tuebingen Variant Classification Criteria Version 2. Collection method: clinical testing. Allele origin: germline. Affected: yes. Observed: 1 variant allele.
Comment: TSC2: BP4, BP7

Myriad Genetics, Inc.
Classification: Benign for Tuberous sclerosis 2. Last evaluated: 2025-05-20. Review status: criteria provided, single submitter. Criteria: Myriad Autosomal Dominant, Autosomal Recessive and X-Linked Classification Criteria (2023). Collection method: clinical testing. Allele origin: unknown.
Comment: This variant is considered benign. This variant is a silent/synonymous amino acid change and it is not expected to impact splicing.

Genome-Nilou Lab
Classification: Benign for Tuberous sclerosis 2. Last evaluated: 2021-11-07. Review status: criteria provided, single submitter. Criteria: ACMG Guidelines, 2015. Collection method: clinical testing. Allele origin: germline. Affected: no.

Ambry Genetics
Classification: Likely benign for Hereditary cancer-predisposing syndrome. Last evaluated: 2020-03-10. Review status: criteria provided, single submitter. Criteria: Ambry Variant Classification Scheme 2023. Collection method: clinical testing. Allele origin: germline.

GeneDx
Classification: Likely benign. Last evaluated: 2019-03-21. Review status: criteria provided, single submitter. Criteria: GeneDx Variant Classification Process June 2021. Collection method: clinical testing. Allele origin: germline. Affected: yes.

NM_000548.5(TSC2):c.2610C>T (p.Ala870=)

Gene: TSC2 (TSC complex subunit 2; plus strand). Cytogenetic location: 16p13.3.
Variant type: single nucleotide variant.
Coding change: c.2610C>T on transcript NM_000548.5 (MANE Select); coding-DNA position 2610, C replaced by T.
Protein change: p.Ala870=; no amino-acid change (alanine 870 retained).
Molecular consequence: synonymous variant.
Genome position (GRCh38, 1-based): chr16:2,075,863, C>T. VCF-style: chr16-2075863-C-T. GRCh37 (hg19) VCF-style: chr16-2125864-C-T.
Other names: c.2610C>T, p.Ala870= (NM_001077183.3, NM_001114382.3, NM_001363528.2 and 3 more transcripts); c.2499C>T, p.Ala833= (NM_001318827.2); c.2463C>T, p.Ala821= (NM_001318829.2); c.2010C>T, p.Ala670= (NM_001318831.2); c.2643C>T, p.Ala881= (NM_001318832.2).
Identifiers: ClinVar variation 387194 (VCV000387194.26), dbSNP rs755870234, ClinGen allele CA040301.
Genomic context (GRCh38, chr16:2,075,863, plus strand): 5'-GGCCAGGCTGCCGCACCTCTACAGGAACTTTGCCGCGGAGCAGTATGCCAGTGTGTTCGC[C>T]ATCTCCCTGCCGTACACCAACCCCTCCAAGTGAGTGGTCGCCCCAGGCCCTGTGCCTCCC-3'
Protein context (NP_000539.2, residues 860-880): FAAEQYASVF[Ala870=]ISLPYTNPSK